The following is an entry in ClinVar:

ClinVar aggregate classification (germline): Conflicting classifications of pathogenicity. Review status: criteria provided, conflicting classifications (1 of 4 stars). 2 submissions from 2 submitters: Pathogenic (1); Uncertain significance (1). Last evaluated 2022-08-09.

Conditions:
Charcot-Marie-Tooth disease type 2. Also called: Charcot-Marie-Tooth type 2. Identifiers: Orphanet 64746, MedGen C0270914, MONDO:0018993.

Submissions (2):

Labcorp Genetics (formerly Invitae), Labcorp
Classification: Pathogenic for Charcot-Marie-Tooth disease type 2. Last evaluated: 2022-08-09. Review status: criteria provided, single submitter. Criteria: Invitae Variant Classification Sherloc (09022015). Collection method: clinical testing. Allele origin: germline.
Comment: For these reasons, this variant has been classified as Pathogenic. Algorithms developed to predict the effect of missense changes on protein structure and function (SIFT, PolyPhen-2, Align-GVGD) all suggest that this variant is likely to be disruptive. ClinVar contains an entry for this variant (Variation ID: 245759). This missense change has been observed in individual(s) with clinical features of autosomal dominant congenital muscular dystrophy (PMID: 33940562; Invitae). In at least one individual the variant was observed to be de novo. This variant is not present in population databases (gnomAD no frequency). This sequence change replaces leucine, which is neutral and non-polar, with proline, which is neutral and non-polar, at codon 387 of the LMNA protein (p.Leu387Pro).

GeneDx
Classification: Uncertain significance. Last evaluated: 2015-04-24. Review status: criteria provided, single submitter. Criteria: GeneDx Variant Classification (06012015). Collection method: clinical testing. Allele origin: germline. Affected: yes.
Comment: The L387P variant has not been published as pathogenic or been reported as a benign polymorphism to our knowledge.The L387P variant was not observed in approximately 6500 individuals of European and African American ancestry in the NHLBI Exome Sequencing Project, indicating it is not a common benign variant in these populations. Although the L387P variant is a semi-conservative amino acid substitution, which may impact secondary protein structure as these residues differ in some properties; this substitution occurs at a position that is conserved across species. In silico analysis predicts this variant is probably damaging to the protein structure/function. Located within the tail region of the LMNA gene, a missense variant in the same residue (L387V) and missense variant in nearby residues (G382V, G382G, R388C, R388H) have been reported in the Human Gene Mutation Database (HGMD) in association with LMNA-related disorders (Stenson et al., 2009), supporting the functional importance of this region of the protein.

Literature cited by the submitters: PubMed 33940562 (cited by Labcorp Genetics (formerly Invitae), Labcorp).

NM_170707.4(LMNA):c.1160T>C (p.Leu387Pro)

Gene: LMNA (lamin A/C; plus strand). Cytogenetic location: 1q22.
Variant type: single nucleotide variant.
Coding change: c.1160T>C on transcript NM_170707.4 (MANE Select); coding-DNA position 1160, T replaced by C.
Protein change: p.Leu387Pro; replaces leucine 387 with proline.
Molecular consequence: missense variant.
Genome position (GRCh38, 1-based): chr1:156,136,216, T>C. VCF-style: chr1-156136216-T-C. GRCh37 (hg19) VCF-style: chr1-156106007-T-C.
Other names: c.824T>C, p.Leu275Pro (NM_001257374.3); c.917T>C, p.Leu306Pro (NM_001282624.2); c.1160T>C, p.Leu387Pro (NM_001282625.2, NM_001282626.2, NM_005572.4 and 1 more transcripts); short protein forms L387P, L275P, L306P.
Identifiers: ClinVar variation 245759 (VCV000245759.9), dbSNP rs879253934, ClinGen allele CA10584130.